The following is an entry in ClinVar:

ClinVar aggregate classification (germline): Uncertain significance (1 of 4 stars; one submission).

Submission:

Labcorp Genetics (formerly Invitae), Labcorp
Classification: Uncertain significance. Last evaluated: 2023-12-19. Review status: criteria provided, single submitter. Criteria: Invitae Variant Classification Sherloc (09022015). Collection method: clinical testing. Allele origin: unknown.
Comment: This variant results in a copy number gain of the genomic region encompassing exon(s) 1-6 of the DIABLO gene. This region includes the initiator codon of the gene. This copy number gain extends beyond the assayed region for this gene and therefore may encompass additional genes. As the precise location of this event is unknown, it may be in tandem or it may be located elsewhere in the genome. This variant has not been reported in the literature in individuals affected with DIABLO-related conditions. In summary, the available evidence is currently insufficient to determine the role of this variant in disease. Therefore, it has been classified as a Variant of Uncertain Significance.

NC_000012.11:g.(?_122701015)_(122750955_?)dup

Genes: DIABLO (diablo IAP-binding mitochondrial protein; minus strand), VPS33A (VPS33A core subunit of CORVET and HOPS complexes; minus strand). Cytogenetic location: 12q24.31.
Variant type: Duplication.
Identifiers: ClinVar variation 3244431 (VCV003244431.1).